The following is an entry in ClinVar:

ClinVar aggregate classification (germline): Uncertain significance. Review status: criteria provided, multiple submitters, no conflicts (2 of 4 stars). 2 submissions from 2 submitters: Uncertain significance (2). Last evaluated 2023-05-25.

Conditions:
Pitt-Hopkins-like syndrome 2 (PTHSL2). Identifiers: Orphanet 221150, Orphanet 600663, MedGen C3280479, MONDO:0013690, OMIM 614325.

Allele frequency attached by ClinVar (database versions not stated): gnomAD exomes below 0.00001.
gnomAD v4.1: 5 of 1,613,082 alleles (0.00031%); highest among the groups gnomAD compares: South Asian, 0.0011%; no homozygotes.

Submissions (2):

GeneDx
Classification: Uncertain significance. Last evaluated: 2023-05-25. Review status: criteria provided, single submitter. Criteria: GeneDx Variant Classification Process June 2021. Collection method: clinical testing. Allele origin: germline. Affected: yes.
Comment: In silico analysis supports that this missense variant does not alter protein structure/function; Has not been previously published as pathogenic or benign to our knowledge

Labcorp Genetics (formerly Invitae), Labcorp
Classification: Uncertain significance for Pitt-Hopkins-like syndrome 2. Last evaluated: 2022-03-12. Review status: criteria provided, single submitter. Criteria: Invitae Variant Classification Sherloc (09022015). Collection method: clinical testing. Allele origin: germline.
Comment: This sequence change replaces serine, which is neutral and polar, with arginine, which is basic and polar, at codon 1169 of the NRXN1 protein (p.Ser1169Arg). This variant is present in population databases (no rsID available, gnomAD no frequency). This variant has not been reported in the literature in individuals affected with NRXN1-related conditions. In summary, the available evidence is currently insufficient to determine the role of this variant in disease. Therefore, it has been classified as a Variant of Uncertain Significance. Algorithms developed to predict the effect of missense changes on protein structure and function (SIFT, PolyPhen-2, Align-GVGD) all suggest that this variant is likely to be tolerated. ClinVar contains an entry for this variant (Variation ID: 1003451).

NM_001330078.2(NRXN1):c.3387C>A (p.Ser1129Arg)

Gene: NRXN1 (neurexin 1; minus strand). Cytogenetic location: 2p16.3.
Variant type: single nucleotide variant.
Coding change: c.3387C>A on transcript NM_001330078.2 (MANE Select); coding-DNA position 3387, C replaced by A.
Protein change: p.Ser1129Arg; replaces serine 1129 with arginine.
Molecular consequence: missense variant.
Genome position (GRCh38, 1-based): chr2:50,236,948, G>T on the plus strand (C>A on the coding strand, the complement: NRXN1 is on the minus strand). VCF-style: chr2-50236948-G-T. GRCh37 (hg19) VCF-style: chr2-50464086-G-T.
Other names: c.3507C>A, p.Ser1169Arg (NM_001135659.3); c.3363C>A, p.Ser1121Arg (NM_001330077.2, NM_001330082.2); c.3321C>A, p.Ser1107Arg (NM_001330083.2, NM_001330084.2); c.3360C>A, p.Ser1120Arg (NM_001330085.2); c.3387C>A, p.Ser1129Arg (NM_001330086.2, NM_004801.6); c.3276C>A, p.Ser1092Arg (NM_001330087.2, NM_001330096.2); c.3306C>A, p.Ser1102Arg (NM_001330088.2); c.282C>A, p.Ser94Arg (NM_001330091.2, NM_001330092.2, NM_001330097.2 and 1 more transcripts); and 4 more; short protein forms S1092R, S1102R, S1107R, S1112R, S1120R, S1121R, S1125R, S1128R.
Identifiers: ClinVar variation 1003451 (VCV001003451.9), dbSNP rs1184494801, ClinGen allele CA346821105.